The following is an entry in ClinVar:

ClinVar aggregate classification (germline): Uncertain significance (1 of 4 stars; one submission).

Conditions:
Dyskeratosis congenita, autosomal dominant 2. Identifiers: MedGen C3151443, MONDO:0013521, OMIM 613989.
Idiopathic Pulmonary Fibrosis. Also called: Idiopathic fibrosing alveolitis, chronic form; idiopathic fibrosing alveolitis. Identifiers: Orphanet 2032, MedGen C1800706, MeSH D054990, MONDO:0800504.

gnomAD v4.1: 1 of 1,548,966 alleles (0.000065%); highest among the groups gnomAD compares: Non-Finnish European, 0.000087%; no homozygotes.

Submission:

Labcorp Genetics (formerly Invitae), Labcorp
Classification: Uncertain significance for Dyskeratosis congenita, autosomal dominant 2; Idiopathic Pulmonary Fibrosis. Last evaluated: 2019-06-11. Review status: criteria provided, single submitter. Criteria: Invitae Variant Classification Sherloc (09022015). Collection method: clinical testing. Allele origin: germline.
Comment: In summary, the available evidence is currently insufficient to determine the role of this variant in disease. Therefore, it has been classified as a Variant of Uncertain Significance. Algorithms developed to predict the effect of missense changes on protein structure and function (SIFT, PolyPhen-2, Align-GVGD) all suggest that this variant is likely to be tolerated, but these predictions have not been confirmed by published functional studies and their clinical significance is uncertain. This variant has not been reported in the literature in individuals with TERT-related conditions. This variant is not present in population databases (ExAC no frequency). This sequence change replaces arginine with proline at codon 312 of the TERT protein (p.Arg312Pro). The arginine residue is weakly conserved and there is a moderate physicochemical difference between arginine and proline.

NM_198253.3(TERT):c.935G>C (p.Arg312Pro)

Gene: TERT (telomerase reverse transcriptase; minus strand). Cytogenetic location: 5p15.33.
Variant type: single nucleotide variant.
Coding change: c.935G>C on transcript NM_198253.3 (MANE Select); coding-DNA position 935, G replaced by C.
Protein change: p.Arg312Pro; replaces arginine 312 with proline.
Molecular consequence: missense variant. On other transcripts: non-coding transcript variant (2).
Genome position (GRCh38, 1-based): chr5:1,293,951, C>G on the plus strand (G>C on the coding strand, the complement: TERT is on the minus strand). VCF-style: chr5-1293951-C-G. GRCh37 (hg19) VCF-style: chr5-1294066-C-G.
Other names: c.935G>C, p.Arg312Pro (NM_001193376.3); short protein forms R312P.
Identifiers: ClinVar variation 941567 (VCV000941567.10), dbSNP rs752511903, ClinGen allele CA359056125.